The following is an entry in ClinVar:

ClinVar aggregate classification (germline): Uncertain significance. Review status: criteria provided, multiple submitters, no conflicts (2 of 4 stars). 2 submissions from 2 submitters: Uncertain significance (2). Last evaluated 2026-02-23.

Conditions:
Hereditary cancer-predisposing syndrome. Also called: Tumor predisposition; Neoplastic Syndromes, Hereditary; Hereditary neoplastic syndrome; Hereditary Cancer Syndrome. Identifiers: Orphanet 140162, MedGen C0027672, MeSH D009386, MONDO:0015356.
Gastrointestinal stromal tumor. Also called: Gastrointestinal stromal tumor, somatic; Gastrointestinal stroma tumor. Identifiers: Orphanet 44890, MedGen C0238198, MeSH D046152, MONDO:0011719, OMIM 606764, HP:0100723.

Submissions (2):

Ambry Genetics
Classification: Uncertain significance for Hereditary cancer-predisposing syndrome. Last evaluated: 2026-02-23. Review status: criteria provided, single submitter. Criteria: Ambry Variant Classification Scheme 2023. Collection method: clinical testing. Allele origin: germline.
Comment: The p.V184G variant (also known as c.551T>G), located in coding exon 3 of the PDGFRA gene, results from a T to G substitution at nucleotide position 551. The valine at codon 184 is replaced by glycine, an amino acid with dissimilar properties. This amino acid position is conserved. In addition, this alteration is predicted to be tolerated by in silico analysis. Based on the available evidence, the clinical significance of this variant remains unclear.

Labcorp Genetics (formerly Invitae), Labcorp
Classification: Uncertain significance for Gastrointestinal stromal tumor. Last evaluated: 2020-09-02. Review status: criteria provided, single submitter. Criteria: Invitae Variant Classification Sherloc (09022015). Collection method: clinical testing. Allele origin: germline.
Comment: This sequence change replaces valine with glycine at codon 184 of the PDGFRA protein (p.Val184Gly). The valine residue is weakly conserved and there is a moderate physicochemical difference between valine and glycine. This variant is not present in population databases (ExAC no frequency). This variant has not been reported in the literature in individuals with PDGFRA-related conditions. Algorithms developed to predict the effect of missense changes on protein structure and function output the following: SIFT: "Tolerated"; PolyPhen-2: "Benign"; Align-GVGD: "Class C0". The glycine amino acid residue is found in multiple mammalian species, suggesting that this missense change does not adversely affect protein function. These predictions have not been confirmed by published functional studies and their clinical significance is uncertain. In summary, the available evidence is currently insufficient to determine the role of this variant in disease. Therefore, it has been classified as a Variant of Uncertain Significance.

NM_006206.6(PDGFRA):c.551T>G (p.Val184Gly)

Gene: PDGFRA (platelet derived growth factor receptor alpha; plus strand). Cytogenetic location: 4q12.
Variant type: single nucleotide variant.
Coding change: c.551T>G on transcript NM_006206.6 (MANE Select); coding-DNA position 551, T replaced by G.
Protein change: p.Val184Gly; replaces valine 184 with glycine.
Molecular consequence: missense variant.
Genome position (GRCh38, 1-based): chr4:54,263,850, T>G. VCF-style: chr4-54263850-T-G. GRCh37 (hg19) VCF-style: chr4-55130017-T-G.
Other names: c.551T>G (NM_006206.4); c.551T>G, p.Val184Gly (NM_001347827.2, NM_001347829.2); c.626T>G, p.Val209Gly (NM_001347828.2); c.590T>G, p.Val197Gly (NM_001347830.2); short protein forms V184G, V197G, V209G.
Identifiers: ClinVar variation 1054237 (VCV001054237.10), dbSNP rs367711512, ClinGen allele CA356890070.